The following is an entry in ClinVar:

ClinVar aggregate classification (germline): Likely benign (1 of 4 stars; one submission).

Allele frequency attached by ClinVar (database versions not stated): gnomAD 0.00456; 1000 Genomes Project 0.01777; TOPMed 0.00267; 1000 Genomes Project 30x 0.01655.
gnomAD v4.1: 6,158 of 1,498,934 alleles (0.41%); highest among the groups gnomAD compares: East Asian, 8.5%; 189 homozygotes.

Submission:

GeneDx
Classification: Likely benign. Last evaluated: 2018-11-13. Review status: criteria provided, single submitter. Criteria: GeneDx Variant Classification Process June 2021. Collection method: clinical testing. Allele origin: germline. Affected: yes.
Comment: See Variant Classification Assertion Criteria.

NM_001079.4(ZAP70):c.563+93C>T

Gene: ZAP70 (zeta chain of T cell receptor associated protein kinase 70; plus strand). Cytogenetic location: 2q11.2.
Variant type: single nucleotide variant.
Coding change: c.563+93C>T on transcript NM_001079.4 (MANE Select); 93 bases into the intron after coding-DNA position 563, C replaced by T.
Molecular consequence: intron variant.
Genome position (GRCh38, 1-based): chr2:97,725,345, C>T. VCF-style: chr2-97725345-C-T. GRCh37 (hg19) VCF-style: chr2-98341808-C-T.
Other names: c.563+93C>T (NM_001378594.1).
Identifiers: ClinVar variation 2501549 (VCV002501549.1), dbSNP rs79257377, ClinGen allele CA52554142.